The following is an entry in ClinVar:

NM_002296.4(LBR):c.235C>T (p.Arg79Ter)

Gene: LBR (lamin B receptor; minus strand). Cytogenetic location: 1q42.12.
Variant type: single nucleotide variant.
Coding change: c.235C>T on transcript NM_002296.4 (MANE Select); coding-DNA position 235, C replaced by T.
Protein change: p.Arg79Ter; replaces arginine 79 with a stop codon.
Molecular consequence: nonsense.
Genome position (GRCh38, 1-based): chr1:225,422,208, G>A on the plus strand (C>T on the coding strand, the complement: LBR is on the minus strand). VCF-style: chr1-225422208-G-A. GRCh37 (hg19) VCF-style: chr1-225609910-G-A.
Other names: c.235C>T, p.Arg79Ter (NM_194442.3); short protein forms R79*.
Identifiers: ClinVar variation 1676661 (VCV001676661.4), dbSNP rs1363715209, ClinGen allele CA345001573.

ClinVar aggregate classification (germline): Likely pathogenic (1 of 4 stars; one submission).

Conditions:
Pelger-Huët anomaly (PHA). Also called: Pelger-Huet Anomaly. Identifiers: MedGen C0030779, MONDO:0008214, OMIM 169400.

Submission:

Dasa
Classification: Likely pathogenic for Pelger-Huët anomaly. Last evaluated: 2022-04-10. Review status: criteria provided, single submitter. Criteria: ACMG Guidelines, 2015. Collection method: clinical testing. Allele origin: germline. Affected: yes. Observed: 1 variant allele.
Comment: The c.235C>T;p.(Arg79*) variant creates a premature translational stop signal in the LBR gene. It is expected to result in an absent or disrupted protein product -PVS1. This variant is not present in population databases (rs1363715209- gnomAD; ABraOM no frequency) - PM2. In summary, the currently available evidence indicates that the variant is likely pathogenic.